The following is an entry in ClinVar:

ClinVar aggregate classification (germline): Likely benign (0 of 4 stars; one submission).

Conditions:
ZNF462-related disorder. Also called: ZNF462-related condition; ZNF462 related disease.

gnomAD v4.1: 41 of 1,613,990 alleles (0.0025%); highest among the groups gnomAD compares: East Asian, 0.085%; no homozygotes.

Submission:

PreventionGenetics, part of Exact Sciences
Classification: Likely benign for ZNF462-related condition. Last evaluated: 2019-06-24. Review status: no assertion criteria provided. Collection method: clinical testing. Allele origin: germline.
Comment: This variant is classified as likely benign based on ACMG/AMP sequence variant interpretation guidelines (Richards et al. 2015 PMID: 25741868, with internal and published modifications).

NM_021224.6(ZNF462):c.4857C>G (p.Leu1619=)

Gene: ZNF462 (zinc finger protein 462; plus strand). Cytogenetic location: 9q31.2.
Variant type: single nucleotide variant.
Coding change: c.4857C>G on transcript NM_021224.6 (MANE Select); coding-DNA position 4857, C replaced by G.
Protein change: p.Leu1619=; no amino-acid change (leucine 1619 retained).
Molecular consequence: synonymous variant. On other transcripts: intron variant (1).
Genome position (GRCh38, 1-based): chr9:106,928,769, C>G. VCF-style: chr9-106928769-C-G. GRCh37 (hg19) VCF-style: chr9-109691050-C-G.
Other names: c.3252+1605C>G (NM_001347997.2).
Identifiers: ClinVar variation 3043535 (VCV003043535.2), dbSNP rs779552060, ClinGen allele CA5171902.